The following is an entry in ClinVar:

ClinVar aggregate classification (germline): Likely benign. Review status: criteria provided, multiple submitters, no conflicts (2 of 4 stars). 2 submissions from 2 submitters: Likely benign (2). Last evaluated 2024-10-28.

Conditions:
ABCC2-related disorder. Also called: ABCC2-related condition.

Allele frequency attached by ClinVar (database versions not stated): gnomAD exomes below 0.00001; ExAC 0.00001; gnomAD 0.00004; TOPMed 0.00005; ESP Exome Variant Server 0.00008.
gnomAD v4.1: 12 of 1,614,050 alleles (0.00074%); highest among the groups gnomAD compares: African/African-American, 0.0067%; no homozygotes.

Submissions (2):

PreventionGenetics, part of Exact Sciences
Classification: Likely benign for ABCC2-related condition. Last evaluated: 2024-10-28. Review status: criteria provided, single submitter. Criteria: ACMG Guidelines, 2015. Collection method: clinical testing. Allele origin: germline.
Comment: This variant is classified as likely benign based on ACMG/AMP sequence variant interpretation guidelines (Richards et al. 2015 PMID: 25741868, with internal and published modifications).

Labcorp Genetics (formerly Invitae), Labcorp
Classification: Likely benign. Last evaluated: 2024-03-21. Review status: criteria provided, single submitter. Criteria: Invitae Variant Classification Sherloc (09022015). Collection method: clinical testing. Allele origin: germline.

NM_000392.5(ABCC2):c.2364G>A (p.Leu788=)

Gene: ABCC2 (ATP binding cassette subfamily C member 2; plus strand). Cytogenetic location: 10q24.2.
Variant type: single nucleotide variant.
Coding change: c.2364G>A on transcript NM_000392.5 (MANE Select); coding-DNA position 2364, G replaced by A.
Protein change: p.Leu788=; no amino-acid change (leucine 788 retained).
Molecular consequence: synonymous variant.
Genome position (GRCh38, 1-based): chr10:99,818,882, G>A. VCF-style: chr10-99818882-G-A. GRCh37 (hg19) VCF-style: chr10-101578639-G-A.
Other names: c.2364G>A (NM_000392.4).
Identifiers: ClinVar variation 1938743 (VCV001938743.6), dbSNP rs375051820, ClinGen allele CA5643460.
Genomic context (GRCh38, chr10:99,818,882, plus strand): 5'-GATCAGCCTGGCCAGAGCTACCTACCAAAATTTAGACATCTATCTTCTAGATGACCCCCT[G>A]TCTGCAGTGGATGCTCATGTAGGAAAACATATTTTTAATAAGGTCTTGGGCCCCAATGGC-3'
Protein context (NP_000383.2, residues 778-798): NLDIYLLDDP[Leu788=]SAVDAHVGKH